The following is an entry in ClinVar:

ClinVar aggregate classification (germline): Uncertain significance (1 of 4 stars; one submission).

Conditions:
Hereditary breast ovarian cancer syndrome. Also called: Hereditary breast and ovarian cancer syndrome (HBOC); Hereditary breast and ovarian cancer; Breast and ovarian cancer; Hereditary breast and/or ovarian cancer syndrome; BRCA1- and BRCA2-Associated Hereditary Breast and Ovarian Cancer; Hereditary breast and ovarian cancer syndrome. Identifiers: Orphanet 145, MedGen C0677776, MeSH D061325, MONDO:0003582. Disease mechanism: loss of function.

Submission:

Labcorp Genetics (formerly Invitae), Labcorp
Classification: Uncertain significance for Hereditary breast ovarian cancer syndrome. Last evaluated: 2025-04-06. Review status: criteria provided, single submitter. Criteria: Invitae Variant Classification Sherloc (09022015). Collection method: clinical testing. Allele origin: germline.
Comment: This sequence change replaces threonine, which is neutral and polar, with alanine, which is neutral and non-polar, at codon 1122 of the BRCA1 protein (p.Thr1122Ala). This variant is not present in population databases (gnomAD no frequency). This variant has not been reported in the literature in individuals affected with BRCA1-related conditions. Invitae Evidence Modeling of protein sequence and biophysical properties (such as structural, functional, and spatial information, amino acid conservation, physicochemical variation, residue mobility, and thermodynamic stability) indicates that this missense variant is not expected to disrupt BRCA1 protein function with a negative predictive value of 80%. In summary, the available evidence is currently insufficient to determine the role of this variant in disease. Therefore, it has been classified as a Variant of Uncertain Significance.

NM_007294.4(BRCA1):c.3364A>G (p.Thr1122Ala)

Genes: BRCA1 (BRCA1 DNA repair associated; minus strand), LOC126862571 (BRD4-independent group 4 enhancer GRCh37_chr17:41243136-41244335; plus strand). Cytogenetic location: 17q21.31.
Variant type: single nucleotide variant.
Coding change: c.3364A>G on transcript NM_007294.4 (MANE Select); coding-DNA position 3364, A replaced by G.
Protein change: p.Thr1122Ala; replaces threonine 1122 with alanine.
Molecular consequence: missense variant. On other transcripts: intron variant (137).
Genome position (GRCh38, 1-based): chr17:43,092,167, T>C on the plus strand (A>G on the coding strand, the complement: BRCA1 is on the minus strand). VCF-style: chr17-43092167-T-C. GRCh37 (hg19) VCF-style: chr17-41244184-T-C.
Other names: c.785-1135A>G (NM_001407985.1, NM_001407991.1, NM_001408407.1 and 13 more transcripts); c.548-1135A>G (NM_001408494.1); c.665-1135A>G (NM_001408444.1, NM_001408438.1, NM_001408430.1 and 12 more transcripts); c.671-1135A>G (NM_001408423.1, NM_001408420.1, NM_001408419.1 and 2 more transcripts); c.788-1135A>G (NM_001408404.1, NM_001408472.1, NM_001407990.1 and 17 more transcripts); c.788-28A>G (NM_001407969.1, NM_001407968.1); c.578-1135A>G (NM_001408492.1, NM_001408513.1, NM_001408489.1 and 9 more transcripts); c.644-1135A>G (NM_001408468.1, NM_001408465.1, NM_001408463.1 and 3 more transcripts); and 41 more; short protein forms T1010A, T1011A, T1033A, T1034A, T1051A, T1052A, T1054A, T1055A.
Identifiers: ClinVar variation 4800838 (VCV004800838.1).
Genomic context (GRCh38, chr17:43,092,167, plus strand): 5'-CATGACTACTTCCCATAGGCTGTTCTAAGTTATCTGAAATCAGATATGGAGAGAAATCTG[T>C]ATTAACAGTCTGAACTACTTCTTCATATTCTTGCTTTTTTATTTCAGGATGCTTACAATT-3'
Protein context (NP_009225.1, residues 1112-1132): EYEEVVQTVN[Thr1122Ala]DFSPYLISDN